The following is an entry in ClinVar:

ClinVar aggregate classification (germline): Pathogenic/Likely pathogenic. Review status: criteria provided, multiple submitters, no conflicts (2 of 4 stars). 10 submissions from 10 submitters: Pathogenic (1); Likely pathogenic (9). Last evaluated 2025-09-10.

Conditions:
Familial cancer of breast. Also called: Hereditary breast cancer; hereditary breast carcinoma; BREAST CANCER, FAMILIAL. Identifiers: Orphanet 227535, MedGen C0346153, MONDO:0016419, OMIM 114480. Disease mechanism: loss of function.
Fanconi anemia complementation group J. Also called: BRIP1-Related Fanconi Anemia. Identifiers: Orphanet 84, MedGen C1836860, MONDO:0012187, OMIM 609054.
Hereditary cancer-predisposing syndrome. Also called: Neoplastic Syndromes, Hereditary; Hereditary Cancer Syndrome; Hereditary neoplastic syndrome; Tumor predisposition. Identifiers: Orphanet 140162, MedGen C0027672, MeSH D009386, MONDO:0015356.

Allele frequency attached by ClinVar (database versions not stated): gnomAD exomes below 0.00001.
gnomAD v4.1: 1 of 1,601,748 alleles (0.000062%); highest among the groups gnomAD compares: Non-Finnish European, 0.000086%; no homozygotes.

Submissions (11):

Ambry Genetics
Classification: Likely pathogenic for Hereditary cancer-predisposing syndrome. Last evaluated: 2025-09-10. Review status: criteria provided, single submitter. Criteria: Ambry Variant Classification Scheme 2023. Collection method: clinical testing. Allele origin: germline.
Comment: The c.93+1G>T intronic variant results from a G to T substitution one nucleotide after coding exon 1 of the BRIP1 gene. This nucleotide position is highly conserved in available vertebrate species. In silico splice site analysis predicts that this alteration will weaken the native splice donor site. RNA studies have demonstrated that this alteration results in abnormal splicing in the set of samples tested (Ambry internal data). This variant is considered to be rare based on population cohorts in the Genome Aggregation Database (gnomAD). Alterations that disrupt the canonical splice site are expected to cause aberrant splicing, resulting in an abnormal protein or a transcript that is subject to nonsense-mediated mRNA decay. As such, this alteration is classified as likely pathogenic.

Labcorp Genetics (formerly Invitae), Labcorp
Classification: Likely pathogenic for Familial cancer of breast; Fanconi anemia complementation group J. Last evaluated: 2025-06-11. Review status: criteria provided, single submitter. Criteria: Invitae Variant Classification Sherloc (09022015). Collection method: clinical testing. Allele origin: germline.
Comment: This sequence change affects a donor splice site in intron 2 of the BRIP1 gene. RNA analysis indicates that disruption of this splice site induces altered splicing and is likely to result in the loss of the initiator methionine. This variant is not present in population databases (gnomAD no frequency). Disruption of this splice site has been observed in individual(s) with clinical features of BRIP1-related conditions (PMID: 26315354, 26720728, 29625052, 31843900, 36451132). ClinVar contains an entry for this variant (Variation ID: 141838). Studies have shown that disruption of this splice site results in skipping of exon 2, and is expected to result in the loss of the initiator methionine (PMID: 31843900; internal data). In summary, the currently available evidence indicates that the variant is pathogenic, but additional data are needed to prove that conclusively. Therefore, this variant has been classified as Likely Pathogenic.

Fulgent Genetics
Classification: Likely pathogenic for Familial cancer of breast; Fanconi anemia complementation group J. Last evaluated: 2024-06-22. Review status: criteria provided, single submitter. Criteria: ACMG Guidelines, 2015. Collection method: clinical testing. Allele origin: germline.

Baylor Genetics
Classification: Likely pathogenic for Familial cancer of breast. Last evaluated: 2024-02-01. Review status: criteria provided, single submitter. Criteria: ACMG Guidelines, 2015. Collection method: clinical testing. Allele origin: unknown.

Quest Diagnostics Nichols Institute San Juan Capistrano
Classification: Likely pathogenic. Last evaluated: 2024-01-15. Review status: criteria provided, single submitter. Criteria: Quest Diagnostics criteria. Collection method: clinical testing. Allele origin: unknown.
Comment: The BRIP1 c.93+1G>T variant disrupts a canonical splice-donor site and experimental studies indicate this variant causes the in-frame skipping of exon 2 (coding exon 1) and the concomitant loss of the translation initiation codon (PMID: 31843900 (2019)). This variant has been reported in individuals with ovarian cancer (PMID: 26315354 (2015)), breast cancer (PMID: 36315097 (2022)), Fallopian tube carcinoma (PMID: 26720728 (2016)), and esophageal cancer (PMID: 29625052 (2018)). This variant has not been reported in large, multi-ethnic general populations (Genome Aggregation Database). Based on the available information, this variant is classified as likely pathogenic.

Color Diagnostics, LLC DBA Color Health
Classification: Likely pathogenic for Hereditary cancer-predisposing syndrome. Last evaluated: 2023-11-07. Review status: criteria provided, single submitter. Criteria: ACMG Guidelines, 2015. Collection method: clinical testing. Allele origin: germline.
Comment: This variant causes a G to T nucleotide substitution at the +1 position of intron 2 of the BRIP1 gene. Splice site prediction tools predict that this variant may have a significant impact on RNA splicing. Although this prediction has not been confirmed in published RNA studies, this variant is expected to result in an absent or disrupted protein product. To our knowledge, functional studies have not been reported for this variant. This variant has been reported in two individuals affected with ovarian cancer (PMID: 26315354, 26720728) and in one individual each affected with breast cancer (PMID: 36315097) and esophageal carcinoma (PMID: 29625052). This variant has not been identified in the general population by the Genome Aggregation Database (gnomAD). Loss of BRIP1 function is a known mechanism of disease. Based on the available evidence, this variant is classified as Likely Pathogenic.

Myriad Genetics, Inc.
Classification: Likely pathogenic for Familial cancer of breast. Last evaluated: 2023-05-30. Review status: criteria provided, single submitter. Criteria: Myriad Autosomal Dominant, Autosomal Recessive and X-Linked Classification Criteria (2023). Collection method: clinical testing. Allele origin: unknown.
Comment: This variant is considered likely pathogenic. This variant occurs within a consensus splice junction and is predicted to result in abnormal mRNA splicing of either an out-of-frame exon or an in-frame exon necessary for protein stability and/or normal function.

GeneDx
Classification: Likely pathogenic. Last evaluated: 2023-01-25. Review status: criteria provided, single submitter. Criteria: GeneDx Variant Classification Process June 2021. Collection method: clinical testing. Allele origin: germline. Affected: yes.
Comment: Canonical splice site variant expected to result in an in-frame loss of the adjacent exon in a gene for which loss of function is a known mechanism of disease; Not observed at significant frequency in large population cohorts (gnomAD); Observed in individuals with ovarian or esophageal cancer (Ramus et al., 2015; Norquist et al., 2016; Huang et al., 2018); This variant is associated with the following publications: (PMID: 26315354, 26720728, 31589614, 29625052)

Department of Pathology and Laboratory Medicine, Sinai Health System
Classification: Pathogenic for Familial cancer of breast. Last evaluated: 2022-10-24. Review status: criteria provided, single submitter. Criteria: ACMG Guidelines, 2015. Collection method: clinical testing. Allele origin: germline. Affected: yes.

PreventionGenetics, part of Exact Sciences
Classification: Likely pathogenic. Last evaluated: 2017-12-21. Review status: criteria provided, single submitter. Criteria: ACMG Guidelines, 2015. Collection method: clinical testing. Allele origin: germline.

Dr. Peter K. Rogan Lab, Western University
No classification provided (evidence only). Condition: Malignant tumor of esophagus. Review status: no classification provided. Collection method: in vitro. Allele origin: not applicable. Functional consequence: skipped exon, retained intron. Not counted in ClinVar's aggregate classification.

Literature cited by the submitters: PubMed 26315354 (cited by 5 submitters); PubMed 26720728 (cited by 5 submitters); PubMed 29625052 (cited by 3 submitters); PubMed 31843900 (cited by Labcorp Genetics (formerly Invitae), Labcorp and Quest Diagnostics Nichols Institute San Juan Capistrano); PubMed 36451132 (cited by Labcorp Genetics (formerly Invitae), Labcorp); PubMed 36315097 (cited by Quest Diagnostics Nichols Institute San Juan Capistrano and Color Diagnostics, LLC DBA Color Health); PubMed 31589614 (cited by Quest Diagnostics Nichols Institute San Juan Capistrano).

NM_032043.3(BRIP1):c.93+1G>T

Gene: BRIP1 (BRCA1 interacting DNA helicase 1; minus strand). Cytogenetic location: 17q23.2.
Variant type: single nucleotide variant.
Coding change: c.93+1G>T on transcript NM_032043.3 (MANE Select); the canonical splice donor site of the intron after coding-DNA position 93, G replaced by T.
Molecular consequence: splice donor variant.
Genome position (GRCh38, 1-based): chr17:61,861,446, C>A on the plus strand (G>T on the coding strand, the complement: BRIP1 is on the minus strand). VCF-style: chr17-61861446-C-A. GRCh37 (hg19) VCF-style: chr17-59938807-C-A.
Identifiers: ClinVar variation 141838 (VCV000141838.35), dbSNP rs587782047, ClinGen allele CA166569.